The following is an entry in ClinVar:

ClinVar aggregate classification (germline): Benign/Likely benign. Review status: criteria provided, multiple submitters, no conflicts (2 of 4 stars). 4 submissions from 4 submitters: Benign (1); Likely benign (3). Last evaluated 2025-12-23.

Conditions:
Inborn genetic diseases. Identifiers: MedGen C0950123, MeSH D030342.
Charcot-Marie-Tooth disease axonal type 2O. Also called: Charcot-Marie-Tooth Neuropathy Type 2O; CHARCOT-MARIE-TOOTH NEUROPATHY, AXONAL, TYPE 2O; CHARCOT-MARIE-TOOTH DISEASE, AXONAL, AUTOSOMAL DOMINANT, TYPE 2O; Charcot-Marie-Tooth disease, axonal, type 20. Identifiers: Orphanet 284232, MedGen C3280220, MONDO:0013644, OMIM 614228.

Allele frequency attached by ClinVar (database versions not stated): gnomAD exomes 0.00001 and 0.00002; ExAC 0.00003; ESP Exome Variant Server 0.00008; gnomAD 0.00010 and 0.00011; TOPMed 0.00014.
gnomAD v4.1: 26 of 1,614,090 alleles (0.0016%); highest among the groups gnomAD compares: African/African-American, 0.028%; no homozygotes.

Submissions (4):

Women's Health and Genetics/Laboratory Corporation of America, LabCorp
Classification: Likely benign. Last evaluated: 2025-12-23. Review status: criteria provided, single submitter. Criteria: LabCorp Variant Classification Summary - May 2015. Collection method: clinical testing. Allele origin: germline.
Comment: Variant summary: DYNC1H1 c.706G>A (p.Val236Ile) results in a conservative amino acid change in the encoded protein sequence. Algorithms developed to predict the effect of missense changes on protein structure and function are either unavailable or do not agree on the potential impact of this missense change. The variant allele was found at a frequency of 1.6e-05 in 1614090 control chromosomes. The observed variant frequency exceeds the estimated maximal expected allele frequency for disease-causing variants in DYNC1H1. c.706G>A has been observed in a Charcot-Marie-Tooth and hereditary motor and/or sensory neuropathy cohort, but was not shown to segregate with disease (Strickland_2015). This report does not provide unequivocal conclusions about association of the variant with Charcot-Marie-Tooth disease axonal type 2O. To our knowledge, no experimental evidence demonstrating an impact on protein function has been reported. The following publication have been ascertained in the context of this evaluation (PMID: 26100331). ClinVar contains an entry for this variant (Variation ID: 383115). Based on the evidence outlined above, the variant was classified as likely benign.

Labcorp Genetics (formerly Invitae), Labcorp
Classification: Benign for Charcot-Marie-Tooth disease axonal type 2O. Last evaluated: 2025-06-14. Review status: criteria provided, single submitter. Criteria: Invitae Variant Classification Sherloc (09022015). Collection method: clinical testing. Allele origin: germline.

Ambry Genetics
Classification: Likely benign for Inborn genetic diseases. Last evaluated: 2020-01-10. Review status: criteria provided, single submitter. Criteria: Ambry Variant Classification Scheme 2023. Collection method: clinical testing. Allele origin: germline.

GeneDx
Classification: Likely benign. Last evaluated: 2016-06-03. Review status: criteria provided, single submitter. Criteria: GeneDx Variant Classification (06012015). Collection method: clinical testing. Allele origin: germline. Affected: yes.
Comment: This variant is considered likely benign or benign based on one or more of the following criteria: it is a conservative change, it occurs at a poorly conserved position in the protein, it is predicted to be benign by multiple in silico algorithms, and/or has population frequency not consistent with disease.

Literature cited by the submitters: PubMed 26100331 (cited by Women's Health and Genetics/Laboratory Corporation of America, LabCorp and Ambry Genetics).

NM_001376.5(DYNC1H1):c.706G>A (p.Val236Ile)

Gene: DYNC1H1 (dynein cytoplasmic 1 heavy chain 1; plus strand). Cytogenetic location: 14q32.31.
Variant type: single nucleotide variant.
Coding change: c.706G>A on transcript NM_001376.5 (MANE Select); coding-DNA position 706, G replaced by A.
Protein change: p.Val236Ile; replaces valine 236 with isoleucine.
Molecular consequence: missense variant.
Genome position (GRCh38, 1-based): chr14:101,979,906, G>A. VCF-style: chr14-101979906-G-A. GRCh37 (hg19) VCF-style: chr14-102446243-G-A.
Other names: short protein forms V236I.
Identifiers: ClinVar variation 383115 (VCV000383115.54), dbSNP rs376456164, ClinGen allele CA7351565.